The following is an entry in ClinVar:

ClinVar aggregate classification (germline): Benign (1 of 4 stars; one submission).

Conditions:
Hereditary cancer-predisposing syndrome. Also called: Tumor predisposition; Hereditary Cancer Syndrome; Hereditary neoplastic syndrome; Neoplastic Syndromes, Hereditary. Identifiers: Orphanet 140162, MedGen C0027672, MeSH D009386, MONDO:0015356.

Submission:

GeneDx
Classification: Benign for Neoplastic Syndromes, Hereditary. Last evaluated: 2014-02-06. Review status: criteria provided, single submitter. Criteria: GeneDx Variant Classification (06012015). Collection method: clinical testing. Allele origin: germline. Affected: yes.
Comment: The variant is found in HEREDICANCER,ENDOM-HEREDIC,BR-OV-HEREDIC panel(s).

NM_000179.2:c.3557-4insT

Gene: MSH6 (mutS homolog 6; plus strand). Cytogenetic location: 2p16.3.
Variant type: Insertion.
Identifiers: ClinVar variation 182669 (VCV000182669.1).